The following is an entry in ClinVar:

ClinVar aggregate classification (germline): Uncertain significance. Review status: criteria provided, multiple submitters, no conflicts (2 of 4 stars). 2 submissions from 2 submitters: Uncertain significance (2). Last evaluated 2024-02-26.

Conditions:
Intestinal hypomagnesemia 1. Also called: HYPOMAGNESEMIA, INTESTINAL, WITH SECONDARY HYPOCALCEMIA; HYPOMAGNESEMIC TETANY. Identifiers: Orphanet 30924, MedGen C1865974, MONDO:0011176, OMIM 602014.

Submissions (2):

Labcorp Genetics (formerly Invitae), Labcorp
Classification: Uncertain significance. Last evaluated: 2024-02-26. Review status: criteria provided, single submitter. Criteria: Invitae Variant Classification Sherloc (09022015). Collection method: clinical testing. Allele origin: germline.
Comment: This sequence change replaces isoleucine, which is neutral and non-polar, with threonine, which is neutral and polar, at codon 423 of the TRPM6 protein (p.Ile423Thr). This variant is present in population databases (rs750982938, gnomAD 0.003%). This variant has not been reported in the literature in individuals affected with TRPM6-related conditions. Advanced modeling of protein sequence and biophysical properties (such as structural, functional, and spatial information, amino acid conservation, physicochemical variation, residue mobility, and thermodynamic stability) performed at Invitae indicates that this missense variant is expected to disrupt TRPM6 protein function with a positive predictive value of 80%. In summary, the available evidence is currently insufficient to determine the role of this variant in disease. Therefore, it has been classified as a Variant of Uncertain Significance.

Fulgent Genetics
Classification: Uncertain significance for Intestinal hypomagnesemia 1. Last evaluated: 2024-02-07. Review status: criteria provided, single submitter. Criteria: ACMG Guidelines, 2015. Collection method: clinical testing. Allele origin: germline.

NM_017662.5(TRPM6):c.1268T>C (p.Ile423Thr)

Gene: TRPM6 (transient receptor potential cation channel subfamily M member 6; minus strand). Cytogenetic location: 9q21.13.
Variant type: single nucleotide variant.
Coding change: c.1268T>C on transcript NM_017662.5 (MANE Select); coding-DNA position 1268, T replaced by C.
Protein change: p.Ile423Thr; replaces isoleucine 423 with threonine.
Molecular consequence: missense variant.
Genome position (GRCh38, 1-based): chr9:74,816,709, A>G on the plus strand (T>C on the coding strand, the complement: TRPM6 is on the minus strand). VCF-style: chr9-74816709-A-G. GRCh37 (hg19) VCF-style: chr9-77431625-A-G.
Other names: c.1253T>C, p.Ile418Thr (NM_001177310.2, NM_001177311.2); short protein forms I418T, I423T.
Identifiers: ClinVar variation 3597626 (VCV003597626.3).